The following is an entry in ClinVar:

NM_024757.5(EHMT1):c.3225C>T (p.Cys1075=)

Gene: EHMT1 (euchromatic histone lysine methyltransferase 1; plus strand). Cytogenetic location: 9q34.3.
Variant type: single nucleotide variant.
Coding change: c.3225C>T on transcript NM_024757.5 (MANE Select); coding-DNA position 3225, C replaced by T.
Protein change: p.Cys1075=; no amino-acid change (cysteine 1075 retained).
Molecular consequence: synonymous variant.
Genome position (GRCh38, 1-based): chr9:137,814,475, C>T. VCF-style: chr9-137814475-C-T. GRCh37 (hg19) VCF-style: chr9-140708927-C-T.
Other names: c.3204C>T, p.Cys1068= (NM_001354263.2).
Identifiers: ClinVar variation 735399 (VCV000735399.30), dbSNP rs779760321, ClinGen allele CA5375218.

ClinVar aggregate classification (germline): Likely benign. Review status: criteria provided, multiple submitters, no conflicts (2 of 4 stars). 2 submissions from 2 submitters: Likely benign (2). Last evaluated 2025-09-01.

Conditions:
Kleefstra syndrome 1 (KLEFS1). Identifiers: Orphanet 261494, MedGen C0795833, MONDO:0027407, OMIM 610253.

Allele frequency attached by ClinVar (database versions not stated): gnomAD exomes 0.00002; ExAC 0.00003; gnomAD 0.00004; TOPMed 0.00004.
gnomAD v4.1: 35 of 1,609,136 alleles (0.0022%); highest among the groups gnomAD compares: African/African-American, 0.0027%; no homozygotes.

Submissions (2):

CeGaT Center for Human Genetics Tuebingen
Classification: Likely benign. Last evaluated: 2025-09-01. Review status: criteria provided, single submitter. Criteria: CeGaT Center For Human Genetics Tuebingen Variant Classification Criteria Version 2. Collection method: clinical testing. Allele origin: germline. Affected: yes. Observed: 2 variant alleles.
Comment: EHMT1: BP4, BP7

Labcorp Genetics (formerly Invitae), Labcorp
Classification: Likely benign for Kleefstra syndrome 1. Last evaluated: 2025-08-31. Review status: criteria provided, single submitter. Criteria: Invitae Variant Classification Sherloc (09022015). Collection method: clinical testing. Allele origin: germline.